The following is an entry in ClinVar:

NM_005359.6(SMAD4):c.454+2T>C

Gene: SMAD4 (SMAD family member 4; plus strand). Cytogenetic location: 18q21.2.
Variant type: single nucleotide variant.
Coding change: c.454+2T>C on transcript NM_005359.6 (MANE Select); the canonical splice donor site of the intron after coding-DNA position 454, T replaced by C.
Molecular consequence: splice donor variant.
Genome position (GRCh38, 1-based): chr18:51,049,326, T>C. VCF-style: chr18-51049326-T-C. GRCh37 (hg19) VCF-style: chr18-48575696-T-C.
Other names: c.454+2T>C (NM_001407042.1, NM_001407041.1, NM_001407043.1).
Identifiers: ClinVar variation 529914 (VCV000529914.8), dbSNP rs1555685248, ClinGen allele CA402459644.

ClinVar aggregate classification (germline): Likely pathogenic (1 of 4 stars; one submission).

Conditions:
Juvenile polyposis syndrome (JPS). Identifiers: Orphanet 2929, MedGen C0345893, MONDO:0017380, OMIM 174900.

Submission:

Labcorp Genetics (formerly Invitae), Labcorp
Classification: Likely pathogenic for Juvenile polyposis syndrome. Last evaluated: 2024-02-24. Review status: criteria provided, single submitter. Criteria: Invitae Variant Classification Sherloc (09022015). Collection method: clinical testing. Allele origin: germline.
Comment: This sequence change affects a donor splice site in intron 4 of the SMAD4 gene. It is expected to disrupt RNA splicing. Variants that disrupt the donor or acceptor splice site typically lead to a loss of protein function (PMID: 16199547), and loss-of-function variants in SMAD4 are known to be pathogenic (PMID: 16152648, 16436638, 22810475). This variant is not present in population databases (gnomAD no frequency). This variant has not been reported in the literature in individuals affected with SMAD4-related conditions. ClinVar contains an entry for this variant (Variation ID: 529914). Algorithms developed to predict the effect of sequence changes on RNA splicing suggest that this variant may disrupt the consensus splice site. In summary, the currently available evidence indicates that the variant is pathogenic, but additional data are needed to prove that conclusively. Therefore, this variant has been classified as Likely Pathogenic.

Literature cited by the submitters: PubMed 16199547; PubMed 16152648; PubMed 16436638; PubMed 22810475.